The following is an entry in ClinVar:

NM_002485.5(NBN):c.659A>C (p.Gln220Pro)

Gene: NBN (nibrin; minus strand). Cytogenetic location: 8q21.3.
Variant type: single nucleotide variant.
Coding change: c.659A>C on transcript NM_002485.5 (MANE Select); coding-DNA position 659, A replaced by C.
Protein change: p.Gln220Pro; replaces glutamine 220 with proline.
Molecular consequence: missense variant.
Genome position (GRCh38, 1-based): chr8:89,971,216, T>G on the plus strand (A>C on the coding strand, the complement: NBN is on the minus strand). VCF-style: chr8-89971216-T-G. GRCh37 (hg19) VCF-style: chr8-90983444-T-G.
Other names: c.413A>C, p.Gln138Pro (NM_001024688.3); short protein forms Q220P, Q138P.
Identifiers: ClinVar variation 3403066 (VCV003403066.1).
Genomic context (GRCh38, chr8:89,971,216, plus strand): 5'-GCTTATAACATAATTACCTGTTTGGCATTCAAAAATATAAATGTTTTCCCTTTGAAGATT[T>G]GTTTTCTTTCCTGCCGTCCTGACAGATCAACATTTTTACTTCCAATAGATGGTTCATCAA-3'
Protein context (NP_002476.2, residues 210-230): VDLSGRQERK[Gln220Pro]IFKGKTFIFL

ClinVar aggregate classification (germline): Uncertain significance (1 of 4 stars; one submission).

Conditions:
Hereditary cancer-predisposing syndrome. Also called: Hereditary Cancer Syndrome; Tumor predisposition; Hereditary neoplastic syndrome; Neoplastic Syndromes, Hereditary. Identifiers: Orphanet 140162, MedGen C0027672, MeSH D009386, MONDO:0015356.

Submission:

Ambry Genetics
Classification: Uncertain significance for Hereditary cancer-predisposing syndrome. Last evaluated: 2024-09-16. Review status: criteria provided, single submitter. Criteria: Ambry Variant Classification Scheme 2023. Collection method: clinical testing. Allele origin: germline.
Comment: The p.Q220P variant (also known as c.659A>C), located in coding exon 6 of the NBN gene, results from an A to C substitution at nucleotide position 659. The glutamine at codon 220 is replaced by proline, an amino acid with similar properties. This amino acid position is conserved. In addition, the in silico prediction for this alteration is inconclusive. Based on the available evidence, the clinical significance of this variant remains unclear.